The following is an entry in ClinVar:

ClinVar aggregate classification (germline): Uncertain significance. Review status: criteria provided, multiple submitters, no conflicts (2 of 4 stars). 3 submissions from 3 submitters: Uncertain significance (3). Last evaluated 2025-09-25.

Conditions:
Inborn genetic diseases. Identifiers: MedGen C0950123, MeSH D030342.

Allele frequency attached by ClinVar (database versions not stated): gnomAD exomes 0.00001 and 0.00003; TOPMed 0.00001; gnomAD 0.00002 and 0.00003; ExAC 0.00003; 1000 Genomes Project 30x 0.00016; 1000 Genomes Project 0.00020.
gnomAD v4.1: 20 of 1,614,116 alleles (0.0012%); highest among the groups gnomAD compares: Admixed American, 0.0067%; no homozygotes.

Submissions (3):

Ambry Genetics
Classification: Uncertain significance for Inborn genetic diseases. Last evaluated: 2025-09-25. Review status: criteria provided, single submitter. Criteria: Ambry Variant Classification Scheme 2023. Collection method: clinical testing. Allele origin: germline.

Blueprint Genetics
Classification: Uncertain significance. Last evaluated: 2023-04-27. Review status: criteria provided, single submitter. Criteria: ACMG Guidelines, 2015. Collection method: clinical testing. Allele origin: germline.

Labcorp Genetics (formerly Invitae), Labcorp
Classification: Uncertain significance. Last evaluated: 2022-11-06. Review status: criteria provided, single submitter. Criteria: Invitae Variant Classification Sherloc (09022015). Collection method: clinical testing. Allele origin: germline.
Comment: Advanced modeling of protein sequence and biophysical properties (such as structural, functional, and spatial information, amino acid conservation, physicochemical variation, residue mobility, and thermodynamic stability) performed at Invitae indicates that this missense variant is not expected to disrupt HK1 protein function. ClinVar contains an entry for this variant (Variation ID: 1438773). This variant has not been reported in the literature in individuals affected with HK1-related conditions. This variant is present in population databases (rs201072105, gnomAD 0.01%). This sequence change replaces histidine, which is basic and polar, with arginine, which is basic and polar, at codon 99 of the HK1 protein (p.His99Arg). In summary, the available evidence is currently insufficient to determine the role of this variant in disease. Therefore, it has been classified as a Variant of Uncertain Significance.

NM_000188.3(HK1):c.296A>G (p.His99Arg)

Gene: HK1 (hexokinase 1; plus strand). Cytogenetic location: 10q22.1.
Variant type: single nucleotide variant.
Coding change: c.296A>G on transcript NM_000188.3 (MANE Select); coding-DNA position 296, A replaced by G.
Protein change: p.His99Arg; replaces histidine 99 with arginine.
Molecular consequence: missense variant.
Genome position (GRCh38, 1-based): chr10:69,359,966, A>G. VCF-style: chr10-69359966-A-G. GRCh37 (hg19) VCF-style: chr10-71119722-A-G.
Other names: c.296A>G (NM_000188.2); c.308A>G, p.His103Arg (NM_001322364.2, NM_001358263.1, NM_033497.3 and 1 more transcripts); c.401A>G, p.His134Arg (NM_001322365.2); c.212A>G, p.His71Arg (NM_001322366.1); c.296A>G, p.His99Arg (NM_001322367.1); c.293A>G, p.His98Arg (NM_033496.3); c.260A>G, p.His87Arg (NM_033500.2); short protein forms H134R, H71R, H103R, H87R, H98R, H99R.
Identifiers: ClinVar variation 1438773 (VCV001438773.8), dbSNP rs201072105, ClinGen allele CA5532272.